The following is an entry in ClinVar:

ClinVar aggregate classification (germline): Benign. Review status: criteria provided, single submitter (1 of 4 stars). 2 submissions from 2 submitters: Benign (1). 1 of the submissions does not count toward it. Last evaluated 2026-01-23.

Conditions:
NFATC1-related disorder. Also called: NFATC1-related condition.

Allele frequency attached by ClinVar (database versions not stated): ESP Exome Variant Server 0.00055; TOPMed 0.00116; gnomAD exomes 0.00201 and 0.00511; 1000 Genomes Project 30x 0.00203; 1000 Genomes Project 0.00240; gnomAD 0.00386 and 0.00387; ExAC 0.00593.
gnomAD v4.1: 3,529 of 1,598,854 alleles (0.22%); highest among the groups gnomAD compares: Admixed American, 0.58%; 39 homozygotes.

Submissions (2):

Labcorp Genetics (formerly Invitae), Labcorp
Classification: Benign. Last evaluated: 2026-01-23. Review status: criteria provided, single submitter. Criteria: Invitae Variant Classification Sherloc (09022015). Collection method: clinical testing. Allele origin: germline.

PreventionGenetics, part of Exact Sciences
Classification: Benign for NFATC1-related condition. Last evaluated: 2019-06-07. Review status: no assertion criteria provided. Collection method: clinical testing. Allele origin: germline. Not counted in ClinVar's aggregate classification.
Comment: This variant is classified as benign based on ACMG/AMP sequence variant interpretation guidelines (Richards et al. 2015 PMID: 25741868, with internal and published modifications).

NM_001278669.2(NFATC1):c.2372C>T (p.Pro791Leu)

Gene: NFATC1 (nuclear factor of activated T cells 1; plus strand). Cytogenetic location: 18q23.
Variant type: single nucleotide variant.
Coding change: c.2372C>T on transcript NM_001278669.2 (MANE Select); coding-DNA position 2372, C replaced by T.
Protein change: p.Pro791Leu; replaces proline 791 with leucine.
Molecular consequence: missense variant. On other transcripts: intron variant (2).
Genome position (GRCh38, 1-based): chr18:79,486,527, C>T. VCF-style: chr18-79486527-C-T. GRCh37 (hg19) VCF-style: chr18-77246527-C-T.
Other names: c.2372C>T (NM_001278669.1); c.956C>T, p.Pro319Leu (NM_001278673.2, NM_172388.3); c.2372C>T, p.Pro791Leu (NM_006162.5); c.2333C>T, p.Pro778Leu (NM_172387.3, NM_172389.3); c.2092+18945C>T (NM_001278670.2); c.2053+18945C>T (NM_001278672.2); short protein forms P778L, P319L, P791L.
Identifiers: ClinVar variation 784751 (VCV000784751.12), dbSNP rs200207441, ClinGen allele CA9009612.